The following is an entry in ClinVar:

ClinVar aggregate classification (germline): Benign (1 of 4 stars; one submission).

gnomAD v4.1: 1,080 of 1,614,190 alleles (0.067%); highest among the groups gnomAD compares: East Asian, 2.1%; 15 homozygotes.

Submission:

Women's Health and Genetics/Laboratory Corporation of America, LabCorp
Classification: Benign. Last evaluated: 2026-01-28. Review status: criteria provided, single submitter. Criteria: LabCorp Variant Classification Summary - May 2015. Collection method: clinical testing. Allele origin: germline.
Comment: Variant summary: MAN2B2 c.1715G>A (p.Arg572His) results in a non-conservative amino acid change in the encoded protein sequence. Algorithms developed to predict the effect of missense changes on protein structure and function are either unavailable or do not agree on the potential impact of this missense change. The variant allele was found at a frequency of 0.00067 in 1614190 control chromosomes, predominantly at a frequency of 0.021 within the East Asian subpopulation in the gnomAD database, including 15 homozygotes. The observed variant frequency within East Asian control individuals in the gnomAD database exceeds the estimated maximal expected allele frequency for disease-causing variants in MAN2B2. To our knowledge, no occurrence of c.1715G>A in individuals affected with MAN2B2-related conditions and no experimental evidence demonstrating its impact on protein function have been reported. No submitters have cited clinical-significance assessments for this variant to ClinVar. Based on the evidence outlined above, the variant was classified as benign.

NM_015274.3(MAN2B2):c.1715G>A (p.Arg572His)

Gene: MAN2B2 (mannosidase alpha class 2B member 2; plus strand). Cytogenetic location: 4p16.1.
Variant type: single nucleotide variant.
Coding change: c.1715G>A on transcript NM_015274.3 (MANE Select); coding-DNA position 1715, G replaced by A.
Protein change: p.Arg572His; replaces arginine 572 with histidine.
Molecular consequence: missense variant.
Genome position (GRCh38, 1-based): chr4:6,605,230, G>A. VCF-style: chr4-6605230-G-A. GRCh37 (hg19) VCF-style: chr4-6606957-G-A.
Other names: c.1562G>A, p.Arg521His (NM_001292038.2); short protein forms R521H, R572H.
Identifiers: ClinVar variation 4689163 (VCV004689163.1).